The following is an entry in ClinVar:

ClinVar aggregate classification (germline): Uncertain significance (1 of 4 stars; one submission).

Conditions:
Familial cancer of breast. Also called: Hereditary breast cancer; hereditary breast carcinoma; BREAST CANCER, FAMILIAL. Identifiers: Orphanet 227535, MedGen C0346153, MONDO:0016419, OMIM 114480. Disease mechanism: loss of function.

Submission:

Labcorp Genetics (formerly Invitae), Labcorp
Classification: Uncertain significance for Familial cancer of breast. Last evaluated: 2018-11-16. Review status: criteria provided, single submitter. Criteria: Invitae Variant Classification Sherloc (09022015). Collection method: clinical testing. Allele origin: germline.
Comment: In summary, the available evidence is currently insufficient to determine the role of this variant in disease. Therefore, it has been classified as a Variant of Uncertain Significance. Algorithms developed to predict the effect of missense changes on protein structure and function are either unavailable or do not agree on the potential impact of this missense change (SIFT: "Deleterious"; PolyPhen-2: "Probably Damaging"; Align-GVGD: "Class C0"). This variant has not been reported in the literature in individuals with CHEK2-related disease. This variant is not present in population databases (ExAC no frequency). This sequence change replaces phenylalanine with serine at codon 427 of the CHEK2 protein (p.Phe427Ser). The phenylalanine residue is highly conserved and there is a large physicochemical difference between phenylalanine and serine.

NM_007194.4(CHEK2):c.1280T>C (p.Phe427Ser)

Gene: CHEK2 (checkpoint kinase 2; minus strand). Cytogenetic location: 22q12.1.
Variant type: single nucleotide variant.
Coding change: c.1280T>C on transcript NM_007194.4 (MANE Select); coding-DNA position 1280, T replaced by C.
Protein change: p.Phe427Ser; replaces phenylalanine 427 with serine.
Molecular consequence: missense variant.
Genome position (GRCh38, 1-based): chr22:28,695,222, A>G on the plus strand (T>C on the coding strand, the complement: CHEK2 is on the minus strand). VCF-style: chr22-28695222-A-G. GRCh37 (hg19) VCF-style: chr22-29091210-A-G.
Other names: c.1409T>C, p.Phe470Ser (NM_001005735.3); c.617T>C, p.Phe206Ser (NM_001257387.3); c.1079T>C, p.Phe360Ser (NM_001349956.3); c.1193T>C, p.Phe398Ser (NM_145862.3); short protein forms F206S, F398S, F360S, F427S, F470S.
Identifiers: ClinVar variation 657098 (VCV000657098.9), dbSNP rs1601720056, ClinGen allele CA411096253.
Genomic context (GRCh38, chr22:28,695,222, plus strand): 5'-AAGTTGTATTTTCCACTGGTGATCTGATCCTTCAGTGACACTTGAGTCCTATGCTCAGAG[A>G]AAGGTGGATACCCACTAAGGCTTAATATTGGTAGAGAGAGAAAGGAAAAGAAATCAAGTG-3'
Protein context (NP_009125.1, residues 417-437): LFICLSGYPP[Phe427Ser]SEHRTQVSLK